The following is an entry in ClinVar:

ClinVar aggregate classification (germline): Uncertain significance. Review status: criteria provided, multiple submitters, no conflicts (2 of 4 stars). 4 submissions from 4 submitters: Uncertain significance (4). Last evaluated 2024-11-11.

Conditions:
Hereditary nonpolyposis colorectal neoplasms. Identifiers: MedGen C0009405, MeSH D003123.
Hereditary cancer-predisposing syndrome. Also called: Hereditary Cancer Syndrome; Hereditary neoplastic syndrome; Tumor predisposition; Neoplastic Syndromes, Hereditary. Identifiers: Orphanet 140162, MedGen C0027672, MeSH D009386, MONDO:0015356.
Endometrial carcinoma. Also called: Endometrial carcinoma, somatic. Identifiers: MedGen C0476089, MONDO:0002447, OMIM 608089, HP:0012114.
Lynch syndrome. Identifiers: Orphanet 144, MedGen C4552100, MONDO:0005835. Disease mechanism: loss of function.

Submissions (4):

Ambry Genetics
Classification: Uncertain significance for Hereditary cancer-predisposing syndrome. Last evaluated: 2024-11-11. Review status: criteria provided, single submitter. Criteria: Ambry Variant Classification Scheme 2023. Collection method: clinical testing. Allele origin: germline.
Comment: The p.H1207R variant (also known as c.3620A>G), located in coding exon 7 of the MSH6 gene, results from an A to G substitution at nucleotide position 3620. The histidine at codon 1207 is replaced by arginine, an amino acid with highly similar properties. This amino acid position is highly conserved in available vertebrate species. In addition, this alteration is predicted to be deleterious by in silico analysis. Based on the available evidence, the clinical significance of this variant remains unclear.

All of Us Research Program, National Institutes of Health
Classification: Uncertain significance for Lynch syndrome. Last evaluated: 2023-11-02. Review status: criteria provided, single submitter. Criteria: ACMG Guidelines, 2015. Collection method: clinical testing. Allele origin: germline. Inheritance: Autosomal dominant inheritance. Observed: 1 variant allele, 1 heterozygote.
Comment: This missense variant replaces histidine with arginine at codon 1207 of the MSH6 protein. Computational prediction suggests that this variant may have deleterious impact on protein structure and function (internally defined REVEL score threshold >= 0.7, PMID: 27666373). To our knowledge, functional studies have not been reported for this variant. This variant has not been reported in individuals affected with MSH6-related disorders in the literature. This variant has not been identified in the general population by the Genome Aggregation Database (gnomAD). The available evidence is insufficient to determine the role of this variant in disease conclusively. Therefore, this variant is classified as a Variant of Uncertain Significance.

This study involves interpretation of variants in research participants for the purpose of population health screening. Participant phenotype was not available at the time of variant classification. Additional details can be found in publication PMID: 35346344, PMCID: PMC8962531

Baylor Genetics
Classification: Uncertain significance for Endometrial carcinoma. Last evaluated: 2023-08-16. Review status: criteria provided, single submitter. Criteria: ACMG Guidelines, 2015. Collection method: clinical testing. Allele origin: unknown.

Labcorp Genetics (formerly Invitae), Labcorp
Classification: Uncertain significance for Hereditary nonpolyposis colorectal neoplasms. Last evaluated: 2022-09-01. Review status: criteria provided, single submitter. Criteria: Invitae Variant Classification Sherloc (09022015). Collection method: clinical testing. Allele origin: germline.
Comment: This sequence change replaces histidine, which is basic and polar, with arginine, which is basic and polar, at codon 1207 of the MSH6 protein (p.His1207Arg). This variant is not present in population databases (gnomAD no frequency). This variant has not been reported in the literature in individuals affected with MSH6-related conditions. ClinVar contains an entry for this variant (Variation ID: 1397388). Algorithms developed to predict the effect of missense changes on protein structure and function are either unavailable or do not agree on the potential impact of this missense change (SIFT: "Deleterious"; PolyPhen-2: "Probably Damaging"; Align-GVGD: "Class C0"). In summary, the available evidence is currently insufficient to determine the role of this variant in disease. Therefore, it has been classified as a Variant of Uncertain Significance.

NM_000179.3(MSH6):c.3620A>G (p.His1207Arg)

Gene: MSH6 (mutS homolog 6; plus strand). Cytogenetic location: 2p16.3.
Variant type: single nucleotide variant.
Coding change: c.3620A>G on transcript NM_000179.3 (MANE Select); coding-DNA position 3620, A replaced by G.
Protein change: p.His1207Arg; replaces histidine 1207 with arginine.
Molecular consequence: missense variant.
Genome position (GRCh38, 1-based): chr2:47,805,681, A>G. VCF-style: chr2-47805681-A-G. GRCh37 (hg19) VCF-style: chr2-48032820-A-G.
Other names: c.3230A>G, p.His1077Arg (NM_001281492.2); c.2714A>G, p.His905Arg (NM_001281493.2, NM_001281494.2); short protein forms H905R, H1077R, H1207R.
Identifiers: ClinVar variation 1397388 (VCV001397388.13), dbSNP rs2104525263, ClinGen allele CA346760585.